The following is an entry in ClinVar:

NM_139137.4(KCNC2):c.314A>T (p.Asp105Val)

Gene: KCNC2 (potassium voltage-gated channel subfamily C member 2; minus strand). Cytogenetic location: 12q21.1.
Variant type: single nucleotide variant.
Coding change: c.314A>T on transcript NM_139137.4 (MANE Select); coding-DNA position 314, A replaced by T.
Protein change: p.Asp105Val; replaces aspartic acid 105 with valine.
Molecular consequence: missense variant. On other transcripts: non-coding transcript variant (2).
Genome position (GRCh38, 1-based): chr12:75,207,670, T>A on the plus strand (A>T on the coding strand, the complement: KCNC2 is on the minus strand). VCF-style: chr12-75207670-T-A. GRCh37 (hg19) VCF-style: chr12-75601450-T-A.
Other names: c.314A>T, p.Asp105Val (NM_001260497.2, NM_001260498.2, NM_001260499.2 and 13 more transcripts); short protein forms D105V.
Identifiers: ClinVar variation 3776462 (VCV003776462.1).

ClinVar aggregate classification (germline): Uncertain significance (1 of 4 stars; one submission).

Submission:

GeneDx
Classification: Uncertain significance. Last evaluated: 2024-09-30. Review status: criteria provided, single submitter. Criteria: GeneDx Variant Classification Process June 2021. Collection method: clinical testing. Allele origin: germline. Affected: yes.
Comment: Not observed at significant frequency in large population cohorts (gnomAD); In silico analysis supports that this missense variant has a deleterious effect on protein structure/function; Has not been previously published as pathogenic or benign to our knowledge